The following is an entry in ClinVar:

ClinVar aggregate classification (germline): Uncertain significance. Review status: criteria provided, multiple submitters, no conflicts (2 of 4 stars). 2 submissions from 2 submitters: Uncertain significance (2). Last evaluated 2022-03-10.

Conditions:
Asphyxiating thoracic dystrophy 5 (SRTD5). Also called: SHORT-RIB THORACIC DYSPLASIA 5 WITH OR WITHOUT POLYDACTYLY; SHORT-RIB THORACIC DYSPLASIA 5 WITHOUT POLYDACTYLY. Identifiers: Orphanet 474, MedGen C3280598, MONDO:0013717, OMIM 614376.
Senior-Loken syndrome 8 (SLSN8). Identifiers: Orphanet 3156, MedGen C4225376, MONDO:0014579, OMIM 616307.

Submissions (2):

Labcorp Genetics (formerly Invitae), Labcorp
Classification: Uncertain significance for Senior-Loken syndrome 8; Asphyxiating thoracic dystrophy 5. Last evaluated: 2022-03-10. Review status: criteria provided, single submitter. Criteria: Invitae Variant Classification Sherloc (09022015). Collection method: clinical testing. Allele origin: germline.
Comment: In summary, the available evidence is currently insufficient to determine the role of this variant in disease. Therefore, it has been classified as a Variant of Uncertain Significance. Algorithms developed to predict the effect of missense changes on protein structure and function are either unavailable or do not agree on the potential impact of this missense change (SIFT: "Deleterious"; PolyPhen-2: "Probably Damaging"; Align-GVGD: "Class C15"). ClinVar contains an entry for this variant (Variation ID: 1061559). This variant has not been reported in the literature in individuals affected with WDR19-related conditions. This variant is not present in population databases (gnomAD no frequency). This sequence change replaces threonine, which is neutral and polar, with isoleucine, which is neutral and non-polar, at codon 371 of the WDR19 protein (p.Thr371Ile).

Blueprint Genetics
Classification: Uncertain significance. Last evaluated: 2017-07-12. Review status: criteria provided, single submitter. Criteria: ACMG Guidelines, 2015. Collection method: clinical testing. Allele origin: germline.

NM_025132.4(WDR19):c.1112C>T (p.Thr371Ile)

Gene: WDR19 (WD repeat domain 19; plus strand). Cytogenetic location: 4p14.
Variant type: single nucleotide variant.
Coding change: c.1112C>T on transcript NM_025132.4 (MANE Select); coding-DNA position 1112, C replaced by T.
Protein change: p.Thr371Ile; replaces threonine 371 with isoleucine.
Molecular consequence: missense variant.
Genome position (GRCh38, 1-based): chr4:39,215,991, C>T. VCF-style: chr4-39215991-C-T. GRCh37 (hg19) VCF-style: chr4-39217611-C-T.
Other names: c.632C>T, p.Thr211Ile (NM_001317924.2); short protein forms T211I, T371I.
Identifiers: ClinVar variation 1061559 (VCV001061559.10), dbSNP rs2109326721, ClinGen allele CA356630073.